The following is an entry in ClinVar:

ClinVar aggregate classification (germline): Uncertain significance (1 of 4 stars; one submission).

Conditions:
MHC class I deficiency. Identifiers: Orphanet 34592, MedGen C6024714, MONDO:0011476.

Allele frequency attached by ClinVar (database versions not stated): TOPMed below 0.00001; gnomAD 0.00001.
gnomAD v4.1: 1 of 1,612,036 alleles (0.000062%); highest among the groups gnomAD compares: Non-Finnish European, 0.000085%; no homozygotes.

Submission:

Labcorp Genetics (formerly Invitae), Labcorp
Classification: Uncertain significance for MHC class I deficiency 1. Last evaluated: 2025-10-29. Review status: criteria provided, single submitter. Criteria: Invitae Variant Classification Sherloc (09022015). Collection method: clinical testing. Allele origin: germline.
Comment: This sequence change replaces serine, which is neutral and polar, with arginine, which is basic and polar, at codon 361 of the TAPBP protein (p.Ser361Arg). This variant is present in population databases (no rsID available, gnomAD 0.007%). This variant has not been reported in the literature in individuals affected with TAPBP-related conditions. ClinVar contains an entry for this variant (Variation ID: 1403479). An algorithm developed to predict the effect of missense changes on protein structure and function (PolyPhen-2) suggests that this variant is likely to be disruptive. Algorithms developed to predict the effect of sequence changes on RNA splicing suggest that this variant may create or strengthen a splice site. In summary, the available evidence is currently insufficient to determine the role of this variant in disease. Therefore, it has been classified as a Variant of Uncertain Significance.

NM_003190.5(TAPBP):c.1081A>C (p.Ser361Arg)

Gene: TAPBP (TAP binding protein; minus strand). Cytogenetic location: 6p21.32.
Variant type: single nucleotide variant.
Coding change: c.1081A>C on transcript NM_003190.5 (MANE Select); coding-DNA position 1081, A replaced by C.
Protein change: p.Ser361Arg; replaces serine 361 with arginine.
Molecular consequence: missense variant.
Genome position (GRCh38, 1-based): chr6:33,304,426, T>G on the plus strand (A>C on the coding strand, the complement: TAPBP is on the minus strand). VCF-style: chr6-33304426-T-G. GRCh37 (hg19) VCF-style: chr6-33272203-T-G.
Other names: c.1081A>C, p.Ser361Arg (NM_172208.3); c.820A>C, p.Ser274Arg (NM_172209.3); short protein forms S361R, S274R.
Identifiers: ClinVar variation 1403479 (VCV001403479.8), dbSNP rs1281620948, ClinGen allele CA363688759.